The following is an entry in ClinVar:

NM_153704.6(TMEM67):c.150C>A (p.Asp50Glu)

Gene: TMEM67 (transmembrane protein 67; plus strand). Cytogenetic location: 8q22.1.
Variant type: single nucleotide variant.
Coding change: c.150C>A on transcript NM_153704.6 (MANE Select); coding-DNA position 150, C replaced by A.
Protein change: p.Asp50Glu; replaces aspartic acid 50 with glutamic acid.
Molecular consequence: missense variant. On other transcripts: 5 prime UTR variant (1), non-coding transcript variant (1).
Genome position (GRCh38, 1-based): chr8:93,755,064, C>A. VCF-style: chr8-93755064-C-A. GRCh37 (hg19) VCF-style: chr8-94767292-C-A.
Other names: c.150C>A (NM_153704.5); c.-135C>A (NM_001142301.1); short protein forms D50E.
Identifiers: ClinVar variation 1510289 (VCV001510289.9), dbSNP rs1486419446, ClinGen allele CA371685344.

ClinVar aggregate classification (germline): Uncertain significance. Review status: criteria provided, multiple submitters, no conflicts (2 of 4 stars). 4 submissions from 4 submitters: Uncertain significance (4). Last evaluated 2026-08-10.

Conditions:
TMEM67-related disorder. Also called: TMEM67-related condition; TMEM67-related disorders. Identifiers: MedGen CN239423.
Inborn genetic diseases. Identifiers: MedGen C0950123, MeSH D030342.
Joubert syndrome. Also called: Familial aplasia of the vermis; JOUBERT-BOLTSHAUSER SYNDROME. Identifiers: Orphanet 475, MedGen C5979921, MONDO:0018772.
Meckel-Gruber syndrome. Also called: Dysencephalia splachnocystica; DYSENCEPHALIA SPLANCHNOCYSTICA; GRUBER SYNDROME. Identifiers: Orphanet 564, MedGen C0265215, MONDO:0018921.
Nephronophthisis 11 (NPHP11). Identifiers: Orphanet 84081, MedGen C3150796, MONDO:0013302, OMIM 613550.
Bardet-Biedl syndrome 14 (BBS14). Identifiers: Orphanet 110, MedGen C2673874, MONDO:0014442, OMIM 615991.
RHYNS syndrome. Also called: RETINITIS PIGMENTOSA SYNDROME; RETINITIS PIGMENTOSA, HYPOPITUITARISM, NEPHRONOPHTHISIS, AND MILD SKELETAL DYSPLASIA. Identifiers: Orphanet 140976, MedGen C1865794, MONDO:0011202, OMIM 602152.
Meckel syndrome, type 3 (MKS3). Also called: MECKEL-GRUBER SYNDROME, TYPE 3. Identifiers: Orphanet 564, MedGen C1846357, MONDO:0011821, OMIM 607361.
COACH syndrome 1. Identifiers: Orphanet 1454, MedGen C5435651, MONDO:0800103, OMIM 216360, MONDO:0008996.
Joubert syndrome 6 (JBTS6). Identifiers: Orphanet 475, MedGen C1853153, MONDO:0012539, OMIM 610688.

Allele frequency attached by ClinVar (database versions not stated): gnomAD exomes below 0.00001; TOPMed below 0.00001.

Submissions (4):

PreventionGenetics, part of Exact Sciences
Classification: Uncertain significance for TMEM67-related condition. Last evaluated: 2026-08-10. Review status: criteria provided, single submitter. Criteria: ACMG Guidelines, 2015. Collection method: clinical testing. Allele origin: germline.
Comment: The TMEM67 c.150C>A variant is predicted to result in the amino acid substitution p.Asp50Glu. To our knowledge, this variant has not been reported in the literature. This variant is reported in 0.0029% of alleles in individuals of Latino descent in gnomAD. At this time, the clinical significance of this variant is uncertain due to the absence of conclusive functional and genetic evidence.

Ambry Genetics
Classification: Uncertain significance for Inborn genetic diseases. Last evaluated: 2026-02-17. Review status: criteria provided, single submitter. Criteria: Ambry Variant Classification Scheme 2023. Collection method: clinical testing. Allele origin: germline.

Labcorp Genetics (formerly Invitae), Labcorp
Classification: Uncertain significance for Joubert syndrome; Meckel-Gruber syndrome. Last evaluated: 2025-07-24. Review status: criteria provided, single submitter. Criteria: Invitae Variant Classification Sherloc (09022015). Collection method: clinical testing. Allele origin: germline.
Comment: This sequence change replaces aspartic acid, which is acidic and polar, with glutamic acid, which is acidic and polar, at codon 50 of the TMEM67 protein (p.Asp50Glu). This variant is present in population databases (no rsID available, gnomAD 0.003%). This variant has not been reported in the literature in individuals affected with TMEM67-related conditions. ClinVar contains an entry for this variant (Variation ID: 1510289). Invitae Evidence Modeling of protein sequence and biophysical properties (such as structural, functional, and spatial information, amino acid conservation, physicochemical variation, residue mobility, and thermodynamic stability) has been performed for this missense variant. However, the output from this modeling did not meet the statistical confidence thresholds required to predict the impact of this variant on TMEM67 protein function. In summary, the available evidence is currently insufficient to determine the role of this variant in disease. Therefore, it has been classified as a Variant of Uncertain Significance.

Fulgent Genetics
Classification: Uncertain significance for COACH syndrome 1; RHYNS syndrome; Meckel syndrome, type 3; Joubert syndrome 6; Nephronophthisis 11; Bardet-Biedl syndrome 14. Last evaluated: 2022-03-01. Review status: criteria provided, single submitter. Criteria: ACMG Guidelines, 2015. Collection method: clinical testing. Allele origin: unknown.